The following is an entry in ClinVar:

GRCh38/hg38 11q11-12.1(chr11:55319519-56212930)x3

Genes: OR10AG1 (olfactory receptor family 10 subfamily AG member 1; minus strand), OR4A15 (olfactory receptor family 4 subfamily A member 15; plus strand), OR4A16 (olfactory receptor family 4 subfamily A member 16; plus strand), OR4C11 (olfactory receptor family 4 subfamily C member 11; minus strand), OR4C15 (olfactory receptor family 4 subfamily C member 15; plus strand) and 24 more. Cytogenetic location: 11q11-12.1.
Variant type: copy number gain.
Change: copy number 3 (three copies instead of two) of chr11:55,319,519-56,212,930 (893.4 kb, GRCh38 coordinates, 1-based), cytogenetic band 11q11-12.1.
Identifiers: ClinVar variation 161063 (VCV000161063.1).

ClinVar aggregate classification (germline): Benign (1 of 4 stars; one submission).

Submission:

ISCA site 4
Classification: Benign. Last evaluated: 2011-08-12. Review status: criteria provided, single submitter. Criteria: Kaminsky et al. (Genet Med. 2011). Collection method: clinical testing. Allele origin: unknown. Affected: yes. Observed: 1 variant allele.
Comment: Copy number variation identified through the course of routine clinical cytogenomic testing in postnatal populations. Clinical assertions have been curated as described in Kaminsky et al. 2011.